The following is an entry in ClinVar:

ClinVar aggregate classification (germline): Benign/Likely benign. Review status: criteria provided, multiple submitters, no conflicts (2 of 4 stars). 3 submissions from 3 submitters: Benign (1); Likely benign (2). Last evaluated 2025-05-20.

Conditions:
Tuberous sclerosis 2 (TSC2). Identifiers: Orphanet 805, MedGen C1860707, MONDO:0013199, OMIM 613254.
Hereditary cancer-predisposing syndrome. Also called: Tumor predisposition; Hereditary Cancer Syndrome; Neoplastic Syndromes, Hereditary; Hereditary neoplastic syndrome. Identifiers: Orphanet 140162, MedGen C0027672, MeSH D009386, MONDO:0015356.

Allele frequency attached by ClinVar (database versions not stated): ExAC 0.00001; gnomAD exomes 0.00001.

Submissions (3):

Myriad Genetics, Inc.
Classification: Benign for Tuberous sclerosis 2. Last evaluated: 2025-05-20. Review status: criteria provided, single submitter. Criteria: Myriad Autosomal Dominant, Autosomal Recessive and X-Linked Classification Criteria (2023). Collection method: clinical testing. Allele origin: unknown.
Comment: This variant is considered benign. This variant is a silent/synonymous amino acid change and it is not expected to impact splicing.

Ambry Genetics
Classification: Likely benign for Hereditary cancer-predisposing syndrome. Last evaluated: 2025-05-11. Review status: criteria provided, single submitter. Criteria: Ambry Variant Classification Scheme 2023. Collection method: clinical testing. Allele origin: germline.

Labcorp Genetics (formerly Invitae), Labcorp
Classification: Likely benign for Tuberous sclerosis 2. Last evaluated: 2018-07-10. Review status: criteria provided, single submitter. Criteria: Invitae Variant Classification Sherloc (09022015). Collection method: clinical testing. Allele origin: germline.

NM_000548.5(TSC2):c.2529G>T (p.Leu843=)

Gene: TSC2 (TSC complex subunit 2; plus strand). Cytogenetic location: 16p13.3.
Variant type: single nucleotide variant.
Coding change: c.2529G>T on transcript NM_000548.5 (MANE Select); coding-DNA position 2529, G replaced by T.
Protein change: p.Leu843=; no amino-acid change (leucine 843 retained).
Molecular consequence: synonymous variant.
Genome position (GRCh38, 1-based): chr16:2,074,373, G>T. VCF-style: chr16-2074373-G-T. GRCh37 (hg19) VCF-style: chr16-2124374-G-T.
Other names: c.2529G>T, p.Leu843= (NM_001077183.3, NM_001114382.3, NM_001363528.2 and 3 more transcripts); c.2418G>T, p.Leu806= (NM_001318827.2); c.2382G>T, p.Leu794= (NM_001318829.2); c.1929G>T, p.Leu643= (NM_001318831.2); c.2562G>T, p.Leu854= (NM_001318832.2).
Identifiers: ClinVar variation 762683 (VCV000762683.11), dbSNP rs759108698, ClinGen allele CA039370.